The following is an entry in ClinVar:

ClinVar aggregate classification (germline): Uncertain significance. Review status: criteria provided, multiple submitters, no conflicts (2 of 4 stars). 2 submissions from 2 submitters: Uncertain significance (2). Last evaluated 2024-06-07.

Conditions:
Hereditary cancer-predisposing syndrome. Also called: Hereditary Cancer Syndrome; Tumor predisposition; Neoplastic Syndromes, Hereditary; Hereditary neoplastic syndrome. Identifiers: Orphanet 140162, MedGen C0027672, MeSH D009386, MONDO:0015356.
Neuroblastoma, susceptibility to, 3. Also called: ALK-Related Neuroblastic Tumor Susceptibility. Identifiers: Orphanet 635, MedGen C2751681, MONDO:0013083, OMIM 613014.

Submissions (2):

Labcorp Genetics (formerly Invitae), Labcorp
Classification: Uncertain significance for Neuroblastoma, susceptibility to, 3. Last evaluated: 2024-06-07. Review status: criteria provided, single submitter. Criteria: Invitae Variant Classification Sherloc (09022015). Collection method: clinical testing. Allele origin: germline.
Comment: This sequence change replaces lysine, which is basic and polar, with arginine, which is basic and polar, at codon 1525 of the ALK protein (p.Lys1525Arg). This variant is not present in population databases (gnomAD no frequency). This variant has not been reported in the literature in individuals affected with ALK-related conditions. Algorithms developed to predict the effect of missense changes on protein structure and function output the following: SIFT: "Not Available"; PolyPhen-2: "Benign"; Align-GVGD: "Not Available". The arginine amino acid residue is found in multiple mammalian species, which suggests that this missense change does not adversely affect protein function. In summary, the available evidence is currently insufficient to determine the role of this variant in disease. Therefore, it has been classified as a Variant of Uncertain Significance.

Ambry Genetics
Classification: Uncertain significance for Hereditary cancer-predisposing syndrome. Last evaluated: 2023-12-04. Review status: criteria provided, single submitter. Criteria: Ambry Variant Classification Scheme 2023. Collection method: clinical testing. Allele origin: germline.
Comment: The p.K1525R variant (also known as c.4574A>G), located in coding exon 29 of the ALK gene, results from an A to G substitution at nucleotide position 4574. The lysine at codon 1525 is replaced by arginine, an amino acid with highly similar properties. This amino acid position is conserved. In addition, this alteration is predicted to be tolerated by in silico analysis. Since supporting evidence is limited at this time, the clinical significance of this alteration remains unclear.

NM_004304.5(ALK):c.4574A>G (p.Lys1525Arg)

Gene: ALK (ALK receptor tyrosine kinase; minus strand). Cytogenetic location: 2p23.2.
Variant type: single nucleotide variant.
Coding change: c.4574A>G on transcript NM_004304.5 (MANE Select); coding-DNA position 4574, A replaced by G.
Protein change: p.Lys1525Arg; replaces lysine 1525 with arginine.
Molecular consequence: missense variant.
Genome position (GRCh38, 1-based): chr2:29,193,513, T>C on the plus strand (A>G on the coding strand, the complement: ALK is on the minus strand). VCF-style: chr2-29193513-T-C. GRCh37 (hg19) VCF-style: chr2-29416379-T-C.
Other names: c.1370A>G, p.Lys457Arg (NM_001353765.2); short protein forms K1525R, K457R.
Identifiers: ClinVar variation 3223908 (VCV003223908.3), dbSNP rs780976256, ClinGen allele CA346460723.